The following is an entry in ClinVar:

ClinVar aggregate classification (germline): Likely benign (1 of 4 stars; one submission).

Allele frequency attached by ClinVar (database versions not stated): gnomAD 0.00001; TOPMed 0.00001; ExAC 0.00004; gnomAD exomes 0.00004.
gnomAD v4.1: 54 of 1,556,426 alleles (0.0035%); highest among the groups gnomAD compares: South Asian, 0.0083%; no homozygotes.

Submission:

CeGaT Center for Human Genetics Tuebingen
Classification: Likely benign. Last evaluated: 2026-06-01. Review status: criteria provided, single submitter. Criteria: CeGaT Center For Human Genetics Tuebingen Variant Classification Criteria Version 2. Collection method: clinical testing. Allele origin: germline. Affected: yes. Observed: 3 variant alleles.
Comment: SETD1B: BP4, BP7

NM_001353345.2(SETD1B):c.5526C>T (p.Phe1842=)

Gene: SETD1B (SET domain containing 1B, histone lysine methyltransferase; plus strand). Cytogenetic location: 12q24.31.
Variant type: single nucleotide variant.
Coding change: c.5526C>T on transcript NM_001353345.2 (MANE Select); coding-DNA position 5526, C replaced by T.
Protein change: p.Phe1842=; no amino-acid change (phenylalanine 1842 retained).
Molecular consequence: synonymous variant.
Genome position (GRCh38, 1-based): chr12:121,827,791, C>T. VCF-style: chr12-121827791-C-T. GRCh37 (hg19) VCF-style: chr12-122265697-C-T.
Identifiers: ClinVar variation 2643485 (VCV002643485.24), dbSNP rs777144386, ClinGen allele CA6839304.